The following is an entry in ClinVar:

NM_001146.5(ANGPT1):c.499T>G (p.Ser167Ala)

Gene: ANGPT1 (angiopoietin 1; minus strand). Cytogenetic location: 8q23.1.
Variant type: single nucleotide variant.
Coding change: c.499T>G on transcript NM_001146.5 (MANE Select); coding-DNA position 499, T replaced by G.
Protein change: p.Ser167Ala; replaces serine 167 with alanine.
Molecular consequence: missense variant. On other transcripts: 5 prime UTR variant (1).
Genome position (GRCh38, 1-based): chr8:107,336,226, A>C on the plus strand (T>G on the coding strand, the complement: ANGPT1 is on the minus strand). VCF-style: chr8-107336226-A-C. GRCh37 (hg19) VCF-style: chr8-108348454-A-C.
Other names: c.499T>G, p.Ser167Ala (NM_001199859.3); c.-102T>G (NM_001314051.2); short protein forms S167A.
Identifiers: ClinVar variation 2864114 (VCV002864114.3), dbSNP rs762916715, ClinGen allele CA183455407.

ClinVar aggregate classification (germline): Uncertain significance (1 of 4 stars; one submission).

Allele frequency attached by ClinVar (database versions not stated): TOPMed below 0.00001; gnomAD exomes 0.00001.
gnomAD v4.1: 13 of 1,608,610 alleles (0.00081%); highest among the groups gnomAD compares: Non-Finnish European, 0.0011%; no homozygotes.

Submission:

Labcorp Genetics (formerly Invitae), Labcorp
Classification: Uncertain significance. Last evaluated: 2023-08-24. Review status: criteria provided, single submitter. Criteria: Invitae Variant Classification Sherloc (09022015). Collection method: clinical testing. Allele origin: germline.
Comment: In summary, the available evidence is currently insufficient to determine the role of this variant in disease. Therefore, it has been classified as a Variant of Uncertain Significance. An algorithm developed to predict the effect of missense changes on protein structure and function (PolyPhen-2) suggests that this variant is likely to be tolerated. This variant has not been reported in the literature in individuals affected with ANGPT1-related conditions. This variant is present in population databases (rs762916715, gnomAD 0.0009%). This sequence change replaces serine, which is neutral and polar, with alanine, which is neutral and non-polar, at codon 167 of the ANGPT1 protein (p.Ser167Ala).